The following is an entry in ClinVar:

NM_001134831.2(AHI1):c.959G>C (p.Gly320Ala)

Gene: AHI1 (Abelson helper integration site 1; minus strand). Cytogenetic location: 6q23.3.
Variant type: single nucleotide variant.
Coding change: c.959G>C on transcript NM_001134831.2 (MANE Select); coding-DNA position 959, G replaced by C.
Protein change: p.Gly320Ala; replaces glycine 320 with alanine.
Molecular consequence: missense variant.
Genome position (GRCh38, 1-based): chr6:135,457,686, C>G on the plus strand (G>C on the coding strand, the complement: AHI1 is on the minus strand). VCF-style: chr6-135457686-C-G. GRCh37 (hg19) VCF-style: chr6-135778824-C-G.
Other names: c.959G>C, p.Gly320Ala (NM_001134830.2, NM_001134832.2, NM_001350503.2 and 2 more transcripts); c.959G>C (NM_017651.4); short protein forms G320A.
Identifiers: ClinVar variation 2178953 (VCV002178953.2), dbSNP rs375293141, ClinGen allele CA4012699.

ClinVar aggregate classification (germline): Uncertain significance. Review status: criteria provided, multiple submitters, no conflicts (2 of 4 stars). 2 submissions from 2 submitters: Uncertain significance (2). Last evaluated 2025-09-28.

Conditions:
Joubert syndrome. Also called: CEREBELLOPARENCHYMAL DISORDER IV; JOUBERT-BOLTSHAUSER SYNDROME; Familial aplasia of the vermis. Identifiers: Orphanet 475, MedGen C5979921, MONDO:0018772.
Inborn genetic diseases. Identifiers: MedGen C0950123, MeSH D030342.

Allele frequency attached by ClinVar (database versions not stated): ExAC 0.00001; gnomAD 0.00001; gnomAD exomes 0.00001; ESP Exome Variant Server 0.00008.
gnomAD v4.1: 8 of 1,613,682 alleles (0.0005%); highest among the groups gnomAD compares: South Asian, 0.0011%; no homozygotes.

Submissions (2):

Ambry Genetics
Classification: Uncertain significance for Inborn genetic diseases. Last evaluated: 2025-09-28. Review status: criteria provided, single submitter. Criteria: Ambry Variant Classification Scheme 2023. Collection method: clinical testing. Allele origin: germline.

Labcorp Genetics (formerly Invitae), Labcorp
Classification: Uncertain significance for Joubert syndrome. Last evaluated: 2022-09-12. Review status: criteria provided, single submitter. Criteria: Invitae Variant Classification Sherloc (09022015). Collection method: clinical testing. Allele origin: germline.
Comment: This sequence change replaces glycine, which is neutral and non-polar, with alanine, which is neutral and non-polar, at codon 320 of the AHI1 protein (p.Gly320Ala). This variant is present in population databases (rs375293141, gnomAD 0.0009%). This variant has not been reported in the literature in individuals affected with AHI1-related conditions. Advanced modeling of protein sequence and biophysical properties (such as structural, functional, and spatial information, amino acid conservation, physicochemical variation, residue mobility, and thermodynamic stability) performed at Invitae indicates that this missense variant is not expected to disrupt AHI1 protein function. In summary, the available evidence is currently insufficient to determine the role of this variant in disease. Therefore, it has been classified as a Variant of Uncertain Significance.